The following is an entry in ClinVar:

NM_003114.5(SPAG1):c.1115G>A (p.Gly372Glu)

Gene: SPAG1 (sperm associated antigen 1; plus strand). Cytogenetic location: 8q22.2.
Variant type: single nucleotide variant.
Coding change: c.1115G>A on transcript NM_003114.5 (MANE Select); coding-DNA position 1115, G replaced by A.
Protein change: p.Gly372Glu; replaces glycine 372 with glutamic acid.
Molecular consequence: missense variant.
Genome position (GRCh38, 1-based): chr8:100,213,108, G>A. VCF-style: chr8-100213108-G-A. GRCh37 (hg19) VCF-style: chr8-101225336-G-A.
Other names: c.1115G>A, p.Gly372Glu (NM_001374321.1, NM_172218.3); short protein forms G372E.
Identifiers: ClinVar variation 2788572 (VCV002788572.3), dbSNP rs2489437978, ClinGen allele CA371808569.
Genomic context (GRCh38, chr8:100,213,108, plus strand): 5'-CGGTGATGCAAACCCTCACTTCCCGCATCCACTTCCTCACAGAGCCCGCGGAGCCGGCGG[G>A]AGCCGCGCGCGCCGCCCAGCCGTGCGTCATGGGCAACATCCAGAAGAAGCTGACTGGCAA-3'
Protein context (NP_003105.2, residues 362-382): GGDKKPAEPA[Gly372Glu]AARAAQPCVM

ClinVar aggregate classification (germline): Uncertain significance (1 of 4 stars; one submission).

Conditions:
Primary ciliary dyskinesia 28. Also called: CILIARY DYSKINESIA, PRIMARY, 28, WITH OR WITHOUT SITUS INVERSUS. Identifiers: Orphanet 244, MedGen C3809706, MONDO:0014216, OMIM 615505.

gnomAD v4.1: 2 of 1,479,448 alleles (0.00014%); highest among the groups gnomAD compares: Non-Finnish European, 0.000089%; no homozygotes.

Submission:

Labcorp Genetics (formerly Invitae), Labcorp
Classification: Uncertain significance for Primary ciliary dyskinesia 28. Last evaluated: 2023-10-15. Review status: criteria provided, single submitter. Criteria: Invitae Variant Classification Sherloc (09022015). Collection method: clinical testing. Allele origin: germline.
Comment: This sequence change replaces glycine, which is neutral and non-polar, with glutamic acid, which is acidic and polar, at codon 372 of the SPAG1 protein (p.Gly372Glu). This variant is not present in population databases (gnomAD no frequency). This variant has not been reported in the literature in individuals affected with SPAG1-related conditions. Advanced modeling of protein sequence and biophysical properties (such as structural, functional, and spatial information, amino acid conservation, physicochemical variation, residue mobility, and thermodynamic stability) performed at Invitae indicates that this missense variant is not expected to disrupt SPAG1 protein function. In summary, the available evidence is currently insufficient to determine the role of this variant in disease. Therefore, it has been classified as a Variant of Uncertain Significance.